The following is an entry in ClinVar:

ClinVar aggregate classification (germline): Uncertain significance (1 of 4 stars; one submission).

Submission:

Labcorp Genetics (formerly Invitae), Labcorp
Classification: Uncertain significance. Last evaluated: 2022-03-23. Review status: criteria provided, single submitter. Criteria: Invitae Variant Classification Sherloc (09022015). Collection method: clinical testing. Allele origin: germline.
Comment: This sequence change replaces glycine, which is neutral and non-polar, with arginine, which is basic and polar, at codon 230 of the COL11A2 protein (p.Gly230Arg). This variant is not present in population databases (gnomAD no frequency). This variant has not been reported in the literature in individuals affected with COL11A2-related conditions. Advanced modeling of protein sequence and biophysical properties (such as structural, functional, and spatial information, amino acid conservation, physicochemical variation, residue mobility, and thermodynamic stability) performed at Invitae indicates that this missense variant is not expected to disrupt COL11A2 protein function. In summary, the available evidence is currently insufficient to determine the role of this variant in disease. Therefore, it has been classified as a Variant of Uncertain Significance.

NM_080680.3(COL11A2):c.688G>A (p.Gly230Arg)

Gene: COL11A2 (collagen type XI alpha 2 chain; minus strand). Cytogenetic location: 6p21.32.
Variant type: single nucleotide variant.
Coding change: c.688G>A on transcript NM_080680.3 (MANE Select); coding-DNA position 688, G replaced by A.
Protein change: p.Gly230Arg; replaces glycine 230 with arginine.
Molecular consequence: missense variant.
Genome position (GRCh38, 1-based): chr6:33,186,737, C>T on the plus strand (G>A on the coding strand, the complement: COL11A2 is on the minus strand). VCF-style: chr6-33186737-C-T. GRCh37 (hg19) VCF-style: chr6-33154514-C-T.
Other names: c.688G>A, p.Gly230Arg (NM_001163771.2, NM_080679.3, NM_080681.3); short protein forms G230R.
Identifiers: ClinVar variation 1346307 (VCV001346307.3), dbSNP rs141430703, ClinGen allele CA363610343.
Genomic context (GRCh38, chr6:33,186,737, plus strand): 5'-GCTGTGGAGATCTCTGGGCTCTGTGAGGCTGTTGGTTTTGGGGTCTTTCCCTCTGGCCCC[C>T]CTCGCATTCCAGCTCCTTCTGTTCACATGATTCATAGGCTGCCTGGACCCCTGGGACAAT-3'
Protein context (NP_542411.2, residues 220-240): SCEQKELECE[Gly230Arg]GQRERPQNQQ